The following is an entry in ClinVar:

NM_004336.5(BUB1):c.2805A>T (p.Glu935Asp)

Gene: BUB1 (BUB1 mitotic checkpoint serine/threonine kinase; minus strand). Cytogenetic location: 2q13.
Variant type: single nucleotide variant.
Coding change: c.2805A>T on transcript NM_004336.5 (MANE Select); coding-DNA position 2805, A replaced by T.
Protein change: p.Glu935Asp; replaces glutamic acid 935 with aspartic acid.
Molecular consequence: missense variant.
Genome position (GRCh38, 1-based): chr2:110,641,184, T>A on the plus strand (A>T on the coding strand, the complement: BUB1 is on the minus strand). VCF-style: chr2-110641184-T-A. GRCh37 (hg19) VCF-style: chr2-111398761-T-A.
Other names: c.2745A>T, p.Glu915Asp (NM_001278616.2); c.2634A>T, p.Glu878Asp (NM_001278617.2); short protein forms E878D, E935D, E915D.
Identifiers: ClinVar variation 2586133 (VCV002586133.2), dbSNP rs2467970547, ClinGen allele CA348089257.

ClinVar aggregate classification (germline): Uncertain significance (1 of 4 stars; one submission).

Submission:

Ambry Genetics
Classification: Uncertain significance. Last evaluated: 2023-06-17. Review status: criteria provided, single submitter. Criteria: Ambry Variant Classification Scheme 2023. Collection method: clinical testing. Allele origin: germline.
Comment: The p.E935D variant (also known as c.2805A>T), located in coding exon 23 of the BUB1 gene, results from an A to T substitution at nucleotide position 2805. The glutamic acid at codon 935 is replaced by aspartic acid, an amino acid with highly similar properties. This amino acid position is conserved. In addition, this alteration is predicted to be tolerated by in silico analysis. Since supporting evidence is limited at this time, the clinical significance of this alteration remains unclear.